The following is an entry in ClinVar:

ClinVar aggregate classification (germline): Uncertain significance (1 of 4 stars; one submission).

Conditions:
Nephronophthisis 14 (NPHP14). Identifiers: Orphanet 2318, MedGen C3539071, MONDO:0013916, OMIM 614844.

Submission:

OLLIN Analises Genomicas, OLLIN
Classification: Uncertain significance for Nephronophthisis 14. Last evaluated: 2026-08-06. Review status: criteria provided, single submitter. Criteria: ACMG Guidelines 2015 PMID 25741868. Collection method: clinical testing. Allele origin: germline.
Comment: This nonsense variant, located in exon 4 (of 8), is absent from gnomAD and has not been identified in the literature. However, it has been reported in ClinVar (accession VCV001428355.4). This variant introduces a premature stop codon, which is predicted to result in either a truncated protein or degradation of the mRNA via nonsense-mediated decay (NMD). According to the currently available evidence, this variant has been classified as uncertain significance (PVS1_P, PM2_P).

NM_001379286.1(ZNF423):c.3196C>T (p.Gln1066Ter)

Gene: ZNF423 (zinc finger protein 423; minus strand). Cytogenetic location: 16q12.1.
Variant type: single nucleotide variant.
Coding change: c.3196C>T on transcript NM_001379286.1 (MANE Select); coding-DNA position 3196, C replaced by T.
Protein change: p.Gln1066Ter; replaces glutamine 1066 with a stop codon.
Molecular consequence: nonsense.
Genome position (GRCh38, 1-based): chr16:49,635,980, G>A on the plus strand (C>T on the coding strand, the complement: ZNF423 is on the minus strand). VCF-style: chr16-49635980-G-A. GRCh37 (hg19) VCF-style: chr16-49669891-G-A.
Other names: c.2992C>T, p.Gln998Ter (NM_001271620.2); c.2821C>T, p.Gln941Ter (NM_001330533.2); c.3172C>T, p.Gln1058Ter (NM_015069.5); short protein forms Q1058*, Q998*, Q941*, Q1066*.
Identifiers: ClinVar variation 5002773 (VCV005002773.1).